The following is an entry in ClinVar:

NM_001854.4(COL11A1):c.109G>A (p.Ala37Thr)

Gene: COL11A1 (collagen type XI alpha 1 chain; minus strand). Cytogenetic location: 1p21.1.
Variant type: single nucleotide variant.
Coding change: c.109G>A on transcript NM_001854.4 (MANE Select); coding-DNA position 109, G replaced by A.
Protein change: p.Ala37Thr; replaces alanine 37 with threonine.
Molecular consequence: missense variant. On other transcripts: non-coding transcript variant (1).
Genome position (GRCh38, 1-based): chr1:103,082,970, C>T on the plus strand (G>A on the coding strand, the complement: COL11A1 is on the minus strand). VCF-style: chr1-103082970-C-T. GRCh37 (hg19) VCF-style: chr1-103548526-C-T.
Other names: c.109G>A, p.Ala37Thr (NM_001190709.2, NM_080629.3, NM_080630.4); short protein forms A37T.
Identifiers: ClinVar variation 3342481 (VCV003342481.1).

ClinVar aggregate classification (germline): Uncertain significance (1 of 4 stars; one submission).

gnomAD v4.1: 1 of 1,612,372 alleles (0.000062%); no homozygotes.

Submission:

GeneDx
Classification: Uncertain significance. Last evaluated: 2023-09-19. Review status: criteria provided, single submitter. Criteria: GeneDx Variant Classification Process June 2021. Collection method: clinical testing. Allele origin: germline. Affected: yes.
Comment: Not observed at significant frequency in large population cohorts (gnomAD); In silico analysis supports that this missense variant does not alter protein structure/function; Has not been previously published as pathogenic or benign to our knowledge; Not located in the triple helical region, where the majority of pathogenic missense variants occur (HGMD; Acke et al., 2014); This variant is associated with the following publications: (PMID: 25240749)